The following is an entry in ClinVar:

ClinVar aggregate classification (germline): Pathogenic. Review status: criteria provided, multiple submitters, no conflicts (2 of 4 stars). 2 submissions from 2 submitters: Pathogenic (2). Last evaluated 2024-02-24.

Conditions:
Charcot-Marie-Tooth disease type 4. Also called: Charcot-Marie-Tooth disease, type IV; Charcot-Marie-Tooth, Type 4. Identifiers: Orphanet 64749, MedGen C4082197, MONDO:0018995.
Charcot-Marie-Tooth disease type 4B2. Also called: CHARCOT-MARIE-TOOTH DISEASE, DEMYELINATING, TYPE 4B2; Charcot-Marie-Tooth Neuropathy Type 4B2; CHARCOT-MARIE-TOOTH DISEASE, WITH FOCALLY FOLDED MYELIN SHEATHS, AUTOSOMAL RECESSIVE, TYPE 4B2; CMT 4B2. Identifiers: Orphanet 99956, MedGen C1858278, MONDO:0011475, OMIM 604563.

Submissions (2):

Labcorp Genetics (formerly Invitae), Labcorp
Classification: Pathogenic for Charcot-Marie-Tooth disease type 4. Last evaluated: 2024-02-24. Review status: criteria provided, single submitter. Criteria: Invitae Variant Classification Sherloc (09022015). Collection method: clinical testing. Allele origin: germline.
Comment: This sequence change creates a premature translational stop signal (p.Tyr685*) in the SBF2 gene. It is expected to result in an absent or disrupted protein product. Loss-of-function variants in SBF2 are known to be pathogenic (PMID: 12687498, 25873783). This variant is not present in population databases (gnomAD no frequency). This variant has not been reported in the literature in individuals affected with SBF2-related conditions. ClinVar contains an entry for this variant (Variation ID: 1323552). For these reasons, this variant has been classified as Pathogenic.

Revvity Omics, Revvity
Classification: Pathogenic for Charcot-Marie-Tooth disease type 4B2. Last evaluated: 2020-03-17. Review status: criteria provided, single submitter. Criteria: ACMG Guidelines, 2015. Collection method: clinical testing. Allele origin: germline.

Literature cited by the submitters: PubMed 12687498 (cited by Labcorp Genetics (formerly Invitae), Labcorp); PubMed 25873783 (cited by Labcorp Genetics (formerly Invitae), Labcorp).

NM_030962.4(SBF2):c.2055T>G (p.Tyr685Ter)

Genes: SBF2 (SET binding factor 2; minus strand), LOC101928008 (uncharacterized LOC101928008; plus strand). Cytogenetic location: 11p15.4.
Variant type: single nucleotide variant.
Coding change: c.2055T>G on transcript NM_030962.4 (MANE Select); coding-DNA position 2055, T replaced by G.
Protein change: p.Tyr685Ter; replaces tyrosine 685 with a stop codon.
Molecular consequence: nonsense.
Genome position (GRCh38, 1-based): chr11:9,858,271, A>C on the plus strand (T>G on the coding strand, the complement: SBF2 is on the minus strand). VCF-style: chr11-9858271-A-C. GRCh37 (hg19) VCF-style: chr11-9879818-A-C.
Other names: c.2055T>G, p.Tyr685Ter (NM_001386339.1); c.1926T>G, p.Tyr642Ter (NM_001386342.1); short protein forms Y642*, Y685*.
Identifiers: ClinVar variation 1323552 (VCV001323552.6), dbSNP rs2134006623, ClinGen allele CA379641374.